The following is an entry in ClinVar:

ClinVar aggregate classification (germline): Benign (1 of 4 stars; one submission).

gnomAD v4.1: 3,901 of 1,613,692 alleles (0.24%); highest among the groups gnomAD compares: Non-Finnish European, 0.29%; 11 homozygotes.

Submission:

CeGaT Center for Human Genetics Tuebingen
Classification: Benign. Last evaluated: 2026-03-01. Review status: criteria provided, single submitter. Criteria: CeGaT Center For Human Genetics Tuebingen Variant Classification Criteria Version 2. Collection method: clinical testing. Allele origin: germline. Affected: yes. Observed: 4 variant alleles.
Comment: JARID2: BP4, BS1, BS2

NM_004973.4(JARID2):c.3594C>G (p.Gly1198=)

Gene: JARID2 (jumonji and AT-rich interaction domain containing 2; plus strand). Cytogenetic location: 6p22.3.
Variant type: single nucleotide variant.
Coding change: c.3594C>G on transcript NM_004973.4 (MANE Select); coding-DNA position 3594, C replaced by G.
Protein change: p.Gly1198=; no amino-acid change (glycine 1198 retained).
Molecular consequence: synonymous variant.
Genome position (GRCh38, 1-based): chr6:15,520,104, C>G. VCF-style: chr6-15520104-C-G. GRCh37 (hg19) VCF-style: chr6-15520335-C-G.
Other names: c.3078C>G, p.Gly1026= (NM_001267040.1).
Identifiers: ClinVar variation 3904899 (VCV003904899.10).